The following is an entry in ClinVar:

ClinVar aggregate classification (germline): Benign/Likely benign. Review status: criteria provided, multiple submitters, no conflicts (2 of 4 stars). 4 submissions from 4 submitters: Benign (1); Likely benign (3). Last evaluated 2026-06-02.

Conditions:
KIT-related disorder. Also called: KIT-related condition.
Hereditary cancer-predisposing syndrome. Also called: Tumor predisposition; Hereditary Cancer Syndrome; Neoplastic Syndromes, Hereditary; Hereditary neoplastic syndrome. Identifiers: Orphanet 140162, MedGen C0027672, MeSH D009386, MONDO:0015356.
Gastrointestinal stromal tumor. Also called: Gastrointestinal stroma tumor; Gastrointestinal stromal tumor, somatic. Identifiers: Orphanet 44890, MedGen C0238198, MeSH D046152, MONDO:0011719, OMIM 606764, HP:0100723.

gnomAD v4.1: 5 of 1,614,064 alleles (0.00031%); highest among the groups gnomAD compares: African/African-American, 0.0067%; no homozygotes.

Submissions (4):

Myriad Genetics, Inc.
Classification: Benign for Gastrointestinal stromal tumor. Last evaluated: 2026-06-02. Review status: criteria provided, single submitter. Criteria: Myriad Autosomal Dominant, Autosomal Recessive and X-Linked Classification Criteria (2023). Collection method: clinical testing. Allele origin: unknown.
Comment: This variant is considered benign. This variant is a silent/synonymous amino acid change and it is not expected to impact splicing.

Labcorp Genetics (formerly Invitae), Labcorp
Classification: Likely benign for Gastrointestinal stromal tumor. Last evaluated: 2025-08-13. Review status: criteria provided, single submitter. Criteria: Invitae Variant Classification Sherloc (09022015). Collection method: clinical testing. Allele origin: germline.

PreventionGenetics, part of Exact Sciences
Classification: Likely benign for KIT-related condition. Last evaluated: 2025-08-13. Review status: criteria provided, single submitter. Criteria: ACMG Guidelines, 2015. Collection method: clinical testing. Allele origin: germline.
Comment: This variant is classified as likely benign based on ACMG/AMP sequence variant interpretation guidelines (Richards et al. 2015 PMID: 25741868, with internal and published modifications).

Ambry Genetics
Classification: Likely benign for Hereditary cancer-predisposing syndrome. Last evaluated: 2022-07-26. Review status: criteria provided, single submitter. Criteria: Ambry Variant Classification Scheme 2023. Collection method: clinical testing. Allele origin: germline.

NM_000222.3(KIT):c.147C>A (p.Arg49=)

Gene: KIT (KIT proto-oncogene, receptor tyrosine kinase; plus strand). Cytogenetic location: 4q12.
Variant type: single nucleotide variant.
Coding change: c.147C>A on transcript NM_000222.3 (MANE Select); coding-DNA position 147, C replaced by A.
Protein change: p.Arg49=; no amino-acid change (arginine 49 retained).
Molecular consequence: synonymous variant.
Genome position (GRCh38, 1-based): chr4:54,695,591, C>A. VCF-style: chr4-54695591-C-A. GRCh37 (hg19) VCF-style: chr4-55561757-C-A.
Other names: c.147C>A, p.Arg49= (NM_001093772.2, NM_001385284.1, NM_001385285.1 and 4 more transcripts).
Identifiers: ClinVar variation 1119308 (VCV001119308.13), dbSNP rs72549301, ClinGen allele CA96845592.